The following is an entry in ClinVar:

ClinVar aggregate classification (germline): Conflicting classifications of pathogenicity. Review status: criteria provided, conflicting classifications (1 of 4 stars). 3 submissions from 3 submitters: Uncertain significance (2); Likely benign (1). Last evaluated 2025-05-15.

Conditions:
Hereditary breast ovarian cancer syndrome. Also called: Hereditary breast and ovarian cancer syndrome; Hereditary breast and ovarian cancer; Hereditary breast and ovarian cancer syndrome (HBOC); Breast and ovarian cancer; Hereditary breast and/or ovarian cancer syndrome; BRCA1- and BRCA2-Associated Hereditary Breast and Ovarian Cancer. Identifiers: Orphanet 145, MedGen C0677776, MeSH D061325, MONDO:0003582. Disease mechanism: loss of function.
Hereditary cancer-predisposing syndrome. Also called: Neoplastic Syndromes, Hereditary; Tumor predisposition; Hereditary neoplastic syndrome; Hereditary Cancer Syndrome. Identifiers: Orphanet 140162, MedGen C0027672, MeSH D009386, MONDO:0015356.

Allele frequency attached by ClinVar (database versions not stated): gnomAD 0.00001; TOPMed 0.00001.
gnomAD v4.1: 1 of 1,608,358 alleles (0.000062%); highest among the groups gnomAD compares: African/African-American, 0.0013%; no homozygotes.

Submissions (3):

Ambry Genetics
Classification: Uncertain significance for Hereditary cancer-predisposing syndrome. Last evaluated: 2025-05-15. Review status: criteria provided, single submitter. Criteria: Ambry Variant Classification Scheme 2023. Collection method: clinical testing. Allele origin: germline.
Comment: The p.V1255G variant (also known as c.3764T>G), located in coding exon 10 of the BRCA2 gene, results from a T to G substitution at nucleotide position 3764. The valine at codon 1255 is replaced by glycine, an amino acid with dissimilar properties. This amino acid position is not well conserved in available vertebrate species. In addition, this alteration is predicted to be tolerated by in silico analysis. Since supporting evidence is limited at this time, the clinical significance of this alteration remains unclear.

Labcorp Genetics (formerly Invitae), Labcorp
Classification: Uncertain significance for Hereditary breast ovarian cancer syndrome. Last evaluated: 2024-07-08. Review status: criteria provided, single submitter. Criteria: Invitae Variant Classification Sherloc (09022015). Collection method: clinical testing. Allele origin: germline.
Comment: This sequence change replaces valine, which is neutral and non-polar, with glycine, which is neutral and non-polar, at codon 1255 of the BRCA2 protein (p.Val1255Gly). This variant is not present in population databases (gnomAD no frequency). This variant has not been reported in the literature in individuals affected with BRCA2-related conditions. ClinVar contains an entry for this variant (Variation ID: 824179). Advanced modeling of protein sequence and biophysical properties (such as structural, functional, and spatial information, amino acid conservation, physicochemical variation, residue mobility, and thermodynamic stability) performed at Invitae indicates that this missense variant is not expected to disrupt BRCA2 protein function with a negative predictive value of 95%. In summary, the available evidence is currently insufficient to determine the role of this variant in disease. Therefore, it has been classified as a Variant of Uncertain Significance.

University of Washington Department of Laboratory Medicine, University of Washington
Classification: Likely benign for Hereditary cancer-predisposing syndrome. Last evaluated: 2023-03-23. Review status: criteria provided, single submitter. Criteria: Dines et al. (Genet Med. 2020). Collection method: curation. Allele origin: germline.
Comment: Missense variant in a coldspot region where missense variants are very unlikely to be pathogenic (PMID:31911673).

BRCA2 exon 11 coldspot. Reclassification based on statistical prior probability.

NM_000059.4(BRCA2):c.3764T>G (p.Val1255Gly)

Gene: BRCA2 (BRCA2 DNA repair associated; plus strand). Cytogenetic location: 13q13.1.
Variant type: single nucleotide variant.
Coding change: c.3764T>G on transcript NM_000059.4 (MANE Select); coding-DNA position 3764, T replaced by G.
Protein change: p.Val1255Gly; replaces valine 1255 with glycine.
Molecular consequence: missense variant.
Genome position (GRCh38, 1-based): chr13:32,338,119, T>G. VCF-style: chr13-32338119-T-G. GRCh37 (hg19) VCF-style: chr13-32912256-T-G.
Other names: short protein forms V1255G.
Identifiers: ClinVar variation 824179 (VCV000824179.13), dbSNP rs1593900450, ClinGen allele CA387778229.
Genomic context (GRCh38, chr13:32,338,119, plus strand): 5'-AAAAAGCTGTGAAACTGTTTAGTGATATTGAGAATATTAGTGAGGAAACTTCTGCAGAGG[T>G]ACATCCAATAAGTTTATCTTCAAGTAAATGTCATGATTCTGTTGTTTCAATGTTTAAGAT-3'
Protein context (NP_000050.3, residues 1245-1265): ENISEETSAE[Val1255Gly]HPISLSSSKC